The following is an entry in ClinVar:

NM_001171.6(ABCC6):c.1773C>T (p.Leu591=)

Gene: ABCC6 (ATP binding cassette subfamily C member 6; minus strand). Cytogenetic location: 16p13.11.
Variant type: single nucleotide variant.
Coding change: c.1773C>T on transcript NM_001171.6 (MANE Select); coding-DNA position 1773, C replaced by T.
Protein change: p.Leu591=; no amino-acid change (leucine 591 retained).
Molecular consequence: synonymous variant. On other transcripts: non-coding transcript variant (4).
Genome position (GRCh38, 1-based): chr16:16,188,837, G>A on the plus strand (C>T on the coding strand, the complement: ABCC6 is on the minus strand). VCF-style: chr16-16188837-G-A. GRCh37 (hg19) VCF-style: chr16-16282694-G-A.
Other names: c.1431C>T, p.Leu477= (NM_001351800.1); c.1773C>T, p.Leu591= (NM_001440309.1, NM_001440310.1); c.1773C>T (NM_001171.5).
Identifiers: ClinVar variation 4702489 (VCV004702489.2).

ClinVar aggregate classification (germline): Likely benign. Review status: criteria provided, multiple submitters, no conflicts (2 of 4 stars). 2 submissions from 2 submitters: Likely benign (2). Last evaluated 2026-01-18.

Conditions:
ABCC6-related disorder. Also called: ABCC6-related condition.

gnomAD v4.1: 13 of 1,613,698 alleles (0.00081%); highest among the groups gnomAD compares: African/African-American, 0.004%; no homozygotes.

Submissions (2):

Labcorp Genetics (formerly Invitae), Labcorp
Classification: Likely benign. Last evaluated: 2026-01-18. Review status: criteria provided, single submitter. Criteria: Invitae Variant Classification Sherloc (09022015). Collection method: clinical testing. Allele origin: germline.

PreventionGenetics, part of Exact Sciences
Classification: Likely benign for ABCC6-related condition. Last evaluated: 2025-04-15. Review status: criteria provided, single submitter. Criteria: ACMG Guidelines, 2015. Collection method: clinical testing. Allele origin: germline.
Comment: This variant is classified as likely benign based on ACMG/AMP sequence variant interpretation guidelines (Richards et al. 2015 PMID: 25741868, with internal and published modifications).